The following is an entry in ClinVar:

NM_006186.4(NR4A2):c.706C>T (p.Gln236Ter)

Gene: NR4A2 (nuclear receptor subfamily 4 group A member 2; minus strand). Cytogenetic location: 2q24.1.
Variant type: single nucleotide variant.
Coding change: c.706C>T on transcript NM_006186.4 (MANE Select); coding-DNA position 706, C replaced by T.
Protein change: p.Gln236Ter; replaces glutamine 236 with a stop codon.
Molecular consequence: nonsense.
Genome position (GRCh38, 1-based): chr2:156,329,481, G>A on the plus strand (C>T on the coding strand, the complement: NR4A2 is on the minus strand). VCF-style: chr2-156329481-G-A. GRCh37 (hg19) VCF-style: chr2-157185993-G-A.
Other names: c.517C>T, p.Gln173Ter (NM_173173.3); short protein forms Q173*, Q236*.
Identifiers: ClinVar variation 3773737 (VCV003773737.2).

ClinVar aggregate classification (germline): Pathogenic (1 of 4 stars; one submission).

Conditions:
Intellectual developmental disorder with language impairment and early-onset DOPA-responsive dystonia-parkinsonism (IDLDP). Identifiers: Orphanet 660017, MedGen C5677001, MONDO:0859257, OMIM 619911.

Submission:

Institute of Human Genetics, University of Leipzig Medical Center
Classification: Pathogenic for Intellectual developmental disorder with language impairment and early-onset DOPA-responsive dystonia-parkinsonism. Last evaluated: 2025-03-04. Review status: criteria provided, single submitter. Criteria: ACMG Guidelines, 2015. Collection method: clinical testing. Allele origin: unknown. Inheritance: Autosomal dominant inheritance. Affected: yes.
Comment: Criteria applied: PVS1,PM2